The following is an entry in ClinVar:

NM_001127222.2(CACNA1A):c.5248C>T (p.Arg1750Trp)

Gene: CACNA1A (calcium voltage-gated channel subunit alpha1 A; minus strand). Cytogenetic location: 19p13.13.
Variant type: single nucleotide variant.
Coding change: c.5248C>T on transcript NM_001127222.2 (MANE Select); coding-DNA position 5248, C replaced by T.
Protein change: p.Arg1750Trp; replaces arginine 1750 with tryptophan.
Molecular consequence: missense variant.
Genome position (GRCh38, 1-based): chr19:13,234,922, G>A on the plus strand (C>T on the coding strand, the complement: CACNA1A is on the minus strand). VCF-style: chr19-13234922-G-A. GRCh37 (hg19) VCF-style: chr19-13345736-G-A.
Other names: p.Arg1751Trp; c.5266C>T, p.Arg1756Trp (NM_000068.4, NM_023035.3); c.5251C>T, p.Arg1751Trp (NM_001127221.2); c.5257C>T, p.Arg1753Trp (NM_001174080.2); c.5248C>T (NM_001127222.1); short protein forms R1756W, R1750W, R1751W, R1753W.
Identifiers: ClinVar variation 935554 (VCV000935554.55), dbSNP rs1568446845, ClinGen allele CA404335516.

ClinVar aggregate classification (germline): Conflicting classifications of pathogenicity. Review status: criteria provided, conflicting classifications (1 of 4 stars). 10 submissions from 10 submitters: Pathogenic (2); Likely pathogenic (6); Uncertain significance (2). Last evaluated 2025-04-25.

Conditions:
CACNA1A-related disorder. Also called: CACNA1A-related condition.
Hereditary episodic ataxia. Also called: Episodic ataxia; EA syndrome; Episodic Ataxia syndrome. Identifiers: Orphanet 211062, MedGen C1720189, MONDO:0016227, HP:0002131.
Migraine, familial hemiplegic, 1. Also called: MIGRAINE, FAMILIAL HEMIPLEGIC 1, WITH PROGRESSIVE CEREBELLAR ATAXIA. Identifiers: Orphanet 569, MedGen C1832884, MONDO:0020756, OMIM 141500, MONDO:0007714.
Episodic ataxia type 2 (EA2). Also called: ACETAZOLAMIDE-RESPONSIVE HEREDITARY PAROXYSMAL CEREBELLAR ATAXIA; EPISODIC ATAXIA, NYSTAGMUS-ASSOCIATED; ATAXIA, EPISODIC, WITH NYSTAGMUS; ATAXIA, FAMILIAL PAROXYSMAL; CEREBELLAR ATAXIA, PAROXYSMAL, ACETAZOLAMIDE-RESPONSIVE; CEREBELLOPATHY, HEREDITARY PAROXYSMAL. Identifiers: Orphanet 97, MedGen C1720416, MONDO:0007163, OMIM 108500.
Spinocerebellar ataxia type 6 (SCA6). Identifiers: Orphanet 98758, MedGen C0752124, MONDO:0008457, OMIM 183086.
Developmental and epileptic encephalopathy, 42 (DEE42A). Also called: DEVELOPMENTAL AND EPILEPTIC ENCEPHALOPATHY 42A; EPILEPTIC ENCEPHALOPATHY, EARLY INFANTILE, 42A; Epileptic encephalopathy, early infantile, 42. Identifiers: MedGen C4310716, MONDO:0014917, OMIM 617106.

Allele frequency attached by ClinVar (database versions not stated): gnomAD exomes below 0.00001.
gnomAD v4.1: 2 of 1,602,962 alleles (0.00012%); highest among the groups gnomAD compares: Non-Finnish European, 0.00017%; no homozygotes.

Submissions (10):

ARUP Laboratories, Molecular Genetics and Genomics, ARUP Laboratories
Classification: Likely pathogenic. Last evaluated: 2025-04-25. Review status: criteria provided, single submitter. Criteria: ARUP Molecular Germline Variant Investigation Process 2024. Collection method: clinical testing. Allele origin: germline.
Comment: The CACNA1A c.5251C>T; p.Arg1751Trp variant (rs1568446845, ClinVar Variation ID: 935554), also known as c.5248C>T; p.Arg1750Trp for NM_001127222.2 and c.5266C>T; p.Arg1756Trp for NM_023035.3, is reported in the literature in multiple individuals affected with CACNA1A-related ataxia (Bertholon 2009, Cunha 2023, Hirasawa-Inoue 2019, Gogus 2024). In one family, the variant co-segregated with disease in 5 individuals (Coutelier 2017). The variant is absent from the Genome Aggregation Database (v2.1.1), indicating it is not a common polymorphism. Additionally, another variant at this codon, c.5266C>T; p.Arg1756Trp (NM_023035.3), has been reported in an individual with a CACNA1A-related disorder (Gur-Hartman 2021). Computational analyses predict that this variant is deleterious (REVEL: 0.889). Based on available information, this variant is considered to be likely pathogenic. References: Bertholon P et al. Episodic ataxia type 2: unusual aspects in clinical and genetic presentation. Special emphasis in childhood. J Neurol Neurosurg Psychiatry. 2009 Nov;80(11):1289-92. PMID: 19864665. Coutelier M et al. A panel study on patients with dominant cerebellar ataxia highlights the frequency of channelopathies. Brain. 2017 Jun 1;140(6):1579-1594. PMID: 28444220. Cunha P et al. Extreme phenotypic heterogeneity in non-expansion spinocerebellar ataxias. Am J Hum Genet. 2023 Jul 6;110(7):1098-1109. PMID: 37301203. Gogus B et al. Genetic aspects of ataxias in a cohort of Turkish patients. Neurol Sci. 2024 Sep;45(9):4349-4365. PMID: 38587696. Gur-Hartman T et al. Clinical phenotypes of infantile onset CACNA1A-related disorder. Eur J Paediatr Neurol. 2021 Jan;30:144-154. PMID: 33349592. Hirasawa-Inoue A et al. Single-fiber electromyography-based diagnosis of CACNA1A mutation in children: A potential role of the electrodiagnosis in the era of whole exome sequencing. Brain Dev. 2019 Nov;41(10):905-909. PMID: 31288946.

GeneDx
Classification: Likely pathogenic. Last evaluated: 2025-03-17. Review status: criteria provided, single submitter. Criteria: GeneDx Variant Classification Process June 2021. Collection method: clinical testing. Allele origin: germline. Affected: yes.
Comment: Not observed at significant frequency in large population cohorts (gnomAD); In silico analysis supports that this missense variant has a deleterious effect on protein structure/function; This variant is associated with the following publications: (PMID: 28444220, 19864665, 31288946, 37301203, 38587696, 39954114)

Women's Health and Genetics/Laboratory Corporation of America, LabCorp
Classification: Pathogenic for Hereditary episodic ataxia. Last evaluated: 2025-02-24. Review status: criteria provided, single submitter. Criteria: LabCorp Variant Classification Summary - May 2015. Collection method: clinical testing. Allele origin: germline.
Comment: Variant summary: CACNA1A c.5251C>T (p.Arg1751Trp) results in a non-conservative amino acid change in the encoded protein sequence. Four of five in-silico tools predict a damaging effect of the variant on protein function. The variant was absent in 249240 control chromosomes. c.5251C>T has been reported in the literature in multiple heterozygous individuals affected with Episodic Ataxia (e.g., Bertholon_2009, Coutelier_2017, Hirasawa-Inoue_2019, Gogus_2024). These data indicate that the variant is very likely to be associated with disease. To our knowledge, no experimental evidence demonstrating an impact on protein function has been reported. The following publications have been ascertained in the context of this evaluation (PMID: 19864665, 28444220, 38587696, 31288946). ClinVar contains an entry for this variant (Variation ID: 935554). Based on the evidence outlined above, the variant was classified as pathogenic.

Labcorp Genetics (formerly Invitae), Labcorp
Classification: Uncertain significance for Developmental and epileptic encephalopathy, 42; Episodic ataxia type 2. Last evaluated: 2025-02-17. Review status: criteria provided, single submitter. Criteria: Invitae Variant Classification Sherloc (09022015). Collection method: clinical testing. Allele origin: germline.
Comment: This sequence change replaces arginine, which is basic and polar, with tryptophan, which is neutral and slightly polar, at codon 1751 of the CACNA1A protein (p.Arg1751Trp). This variant is not present in population databases (gnomAD no frequency). This missense change has been observed in individuals with CACNA1A-related conditions (PMID: 19864665, 28444220, 31288946; internal data). ClinVar contains an entry for this variant (Variation ID: 935554). An algorithm developed to predict the effect of missense changes on protein structure and function (PolyPhen-2) suggests that this variant is likely to be tolerated. In summary, the available evidence is currently insufficient to determine the role of this variant in disease. Therefore, it has been classified as a Variant of Uncertain Significance.

Mayo Clinic Laboratories, Mayo Clinic
Classification: Pathogenic. Last evaluated: 2024-12-12. Review status: criteria provided, single submitter. Criteria: ACMG Guidelines, 2015. Collection method: clinical testing. Allele origin: germline. Observed: 1 variant allele.
Comment: PP1_strong, PP2, PP3_moderate, PP4, PM2_supporting, PS4_moderate

PreventionGenetics, part of Exact Sciences
Classification: Likely pathogenic for CACNA1A-related condition. Last evaluated: 2024-11-21. Review status: criteria provided, single submitter. Criteria: ACMG Guidelines, 2015. Collection method: clinical testing. Allele origin: germline.
Comment: The CACNA1A c.5248C>T variant is predicted to result in the amino acid substitution p.Arg1750Trp. This variant can also be referred to as c.5251C>T (p.Arg1751Trp) using alternative transcript NM_001127222.1. This variant has been reported in two individuals from the same family who presented with episodic ataxia (Bertholon et al. 2009. PubMed ID: 19864665). The c.5248C>T (p.Arg1750Trp) variant also segregated with cerebellar ataxia in a different family with six affected individuals tested (Coutelier et al. 2017. PubMed ID: 28444220, Supplementary Figure 3) and in an isolated case of paroxysmal gait disturbance (Hirasawa-Inoue et al. 2019. PubMed ID: 31288946). This variant has not been reported in a large population database (gnomAD), indicating this variant is rare. Based on these observations, the c.5248C>T variant is classified as likely pathogenic.

Institute of Human Genetics, Clinical Exome/Genome Diagnostics Group, University Hospital Bonn
Classification: Uncertain significance for Developmental and epileptic encephalopathy, 42; Migraine, familial hemiplegic, 1; Episodic ataxia type 2; Spinocerebellar ataxia type 6. Last evaluated: 2022-04-28. Review status: criteria provided, single submitter. Criteria: ACMG Guidelines, 2015. Collection method: clinical testing. Allele origin: germline. Affected: yes.

CeGaT Center for Human Genetics Tuebingen
Classification: Likely pathogenic. Last evaluated: 2021-12-01. Review status: criteria provided, single submitter. Criteria: CeGaT Center For Human Genetics Tuebingen Variant Classification Criteria Version 2. Collection method: clinical testing. Allele origin: germline. Affected: yes. Observed: 4 variant alleles.

Athena Diagnostics
Classification: Likely pathogenic. Last evaluated: 2020-09-03. Review status: criteria provided, single submitter. Criteria: Athena Diagnostics Criteria. Collection method: clinical testing. Allele origin: unknown.
Comment: Not found in the total gnomAD dataset, and the data is high quality. Found in at least one patient with expected phenotype for this gene. Conflicting predictions of the effect on the protein. Located in potentially critical domain of the protein.

Blueprint Genetics
Classification: Likely pathogenic for CACNA1A-related disorders. Last evaluated: 2018-06-08. Review status: criteria provided, single submitter. Criteria: ACMG Guidelines, 2015. Collection method: clinical testing. Allele origin: germline. Affected: yes. Observed: 2 variant alleles.

Literature cited by the submitters: PubMed 28444220 (cited by 3 submitters); PubMed 19864665 (cited by 4 submitters); PubMed 38587696 (cited by Women's Health and Genetics/Laboratory Corporation of America, LabCorp); PubMed 31288946 (cited by 4 submitters); PubMed 37301203 (cited by Mayo Clinic Laboratories, Mayo Clinic).